The following is an entry in ClinVar:

ClinVar aggregate classification (germline): Uncertain significance (1 of 4 stars; one submission).

Submission:

Labcorp Genetics (formerly Invitae), Labcorp
Classification: Uncertain significance. Last evaluated: 2025-07-14. Review status: criteria provided, single submitter. Criteria: Invitae Variant Classification Sherloc (09022015). Collection method: clinical testing. Allele origin: germline.
Comment: This sequence change replaces serine, which is neutral and polar, with arginine, which is basic and polar, at codon 1927 of the ATR protein (p.Ser1927Arg). This variant is not present in population databases (gnomAD no frequency). This variant has not been reported in the literature in individuals affected with ATR-related conditions. ClinVar contains an entry for this variant (Variation ID: 2825169). An algorithm developed to predict the effect of missense changes on protein structure and function (PolyPhen-2) suggests that this variant is likely to be disruptive. In summary, the available evidence is currently insufficient to determine the role of this variant in disease. Therefore, it has been classified as a Variant of Uncertain Significance.

NM_001184.4(ATR):c.5781T>G (p.Ser1927Arg)

Gene: ATR (ATR checkpoint kinase; minus strand). Cytogenetic location: 3q23.
Variant type: single nucleotide variant.
Coding change: c.5781T>G on transcript NM_001184.4 (MANE Select); coding-DNA position 5781, T replaced by G.
Protein change: p.Ser1927Arg; replaces serine 1927 with arginine.
Molecular consequence: missense variant.
Genome position (GRCh38, 1-based): chr3:142,496,478, A>C on the plus strand (T>G on the coding strand, the complement: ATR is on the minus strand). VCF-style: chr3-142496478-A-C. GRCh37 (hg19) VCF-style: chr3-142215320-A-C.
Other names: c.5589T>G, p.Ser1863Arg (NM_001354579.2); short protein forms S1863R, S1927R.
Identifiers: ClinVar variation 2825169 (VCV002825169.3), dbSNP rs2473155181, ClinGen allele CA354813808.